The following is an entry in ClinVar:

ClinVar aggregate classification (germline): Uncertain significance (1 of 4 stars; one submission).

Conditions:
Hereditary cancer-predisposing syndrome. Also called: Hereditary Cancer Syndrome; Hereditary neoplastic syndrome; Neoplastic Syndromes, Hereditary; Tumor predisposition. Identifiers: Orphanet 140162, MedGen C0027672, MeSH D009386, MONDO:0015356.

Submission:

Ambry Genetics
Classification: Uncertain significance for Hereditary cancer-predisposing syndrome. Last evaluated: 2022-09-04. Review status: criteria provided, single submitter. Criteria: Ambry Variant Classification Scheme 2023. Collection method: clinical testing. Allele origin: germline.
Comment: The p.L326R variant (also known as c.977T>G), located in coding exon 8 of the CHEK2 gene, results from a T to G substitution at nucleotide position 977. The leucine at codon 326 is replaced by arginine, an amino acid with dissimilar properties. This amino acid position is conserved. In addition, this alteration is predicted to be deleterious by in silico analysis. Since supporting evidence is limited at this time, the clinical significance of this alteration remains unclear.

NM_007194.4(CHEK2):c.977T>G (p.Leu326Arg)

Gene: CHEK2 (checkpoint kinase 2; minus strand). Cytogenetic location: 22q12.1.
Variant type: single nucleotide variant.
Coding change: c.977T>G on transcript NM_007194.4 (MANE Select); coding-DNA position 977, T replaced by G.
Protein change: p.Leu326Arg; replaces leucine 326 with arginine.
Molecular consequence: missense variant.
Genome position (GRCh38, 1-based): chr22:28,699,869, A>C on the plus strand (T>G on the coding strand, the complement: CHEK2 is on the minus strand). VCF-style: chr22-28699869-A-C. GRCh37 (hg19) VCF-style: chr22-29095857-A-C.
Other names: c.1106T>G, p.Leu369Arg (NM_001005735.3); c.314T>G, p.Leu105Arg (NM_001257387.3); c.776T>G, p.Leu259Arg (NM_001349956.3); c.977T>G, p.Leu326Arg (NM_145862.3); short protein forms L259R, L369R, L105R, L326R.
Identifiers: ClinVar variation 1768177 (VCV001768177.2), dbSNP rs2145842493, ClinGen allele CA411099626.
Genomic context (GRCh38, chr22:28,699,869, plus strand): 5'-CTGTCAAAAGAATTGAGGGCTTCTTTTACCTGCACAGCCAAGAGCATCTGGTAAAAATAG[A>C]GCTTGCAGGTAGCTTCTTTCAGGCGTTTATTCCCCACCACTTTGTCAAACAGCTCTCCCC-3'
Protein context (NP_009125.1, residues 316-336): NKRLKEATCK[Leu326Arg]YFYQMLLAVQ